The following is an entry in ClinVar:

ClinVar aggregate classification (germline): Likely benign. Review status: criteria provided, multiple submitters, no conflicts (2 of 4 stars). 3 submissions from 3 submitters: Likely benign (3). Last evaluated 2024-12-16.

Conditions:
3-methylglutaconic aciduria, type VIIB (MGCA7B). Also called: CLPB Deficiency; 3-methylglutaconic aciduria, type VII, with cataracts, neurologic involvement and neutropenia; 3-methylglutaconic aciduria with cataracts, neurologic involvement and neutropenia. Identifiers: Orphanet 445038, MedGen C5676893, MONDO:0014561, OMIM 616271.

Allele frequency attached by ClinVar (database versions not stated): gnomAD 0.00001; TOPMed 0.00001.
gnomAD v4.1: 28 of 1,594,282 alleles (0.0018%); highest among the groups gnomAD compares: African/African-American, 0.013%; no homozygotes.

Submissions (3):

Labcorp Genetics (formerly Invitae), Labcorp
Classification: Likely benign for 3-methylglutaconic aciduria, type VIIB. Last evaluated: 2024-12-16. Review status: criteria provided, single submitter. Criteria: Invitae Variant Classification Sherloc (09022015). Collection method: clinical testing. Allele origin: germline.

Blueprint Genetics
Classification: Likely benign. Last evaluated: 2023-03-29. Review status: criteria provided, single submitter. Criteria: ACMG Guidelines, 2015. Collection method: clinical testing. Allele origin: germline.

CeGaT Center for Human Genetics Tuebingen
Classification: Likely benign. Last evaluated: 2022-10-01. Review status: criteria provided, single submitter. Criteria: CeGaT Center For Human Genetics Tuebingen Variant Classification Criteria Version 2. Collection method: clinical testing. Allele origin: germline. Affected: yes. Observed: 1 variant allele.
Comment: CLPB: BP4, BP7

NM_001258392.3(CLPB):c.57G>C (p.Arg19=)

Genes: CLPB (ClpB family mitochondrial disaggregase; minus strand), LOC130006336 (ATAC-STARR-seq lymphoblastoid active region 5191; plus strand). Cytogenetic location: 11q13.4.
Variant type: single nucleotide variant.
Coding change: c.57G>C on transcript NM_001258392.3 (MANE Select); coding-DNA position 57, G replaced by C.
Protein change: p.Arg19=; no amino-acid change (arginine 19 retained).
Molecular consequence: synonymous variant. On other transcripts: 5 prime UTR variant (1).
Genome position (GRCh38, 1-based): chr11:72,434,418, C>G on the plus strand (G>C on the coding strand, the complement: CLPB is on the minus strand). VCF-style: chr11-72434418-C-G. GRCh37 (hg19) VCF-style: chr11-72145462-C-G.
Other names: c.57G>C, p.Arg19= (NM_001258393.3, NM_030813.6); c.-186G>C (NM_001258394.3).
Identifiers: ClinVar variation 794813 (VCV000794813.41), dbSNP rs112362953, ClinGen allele CA224518890.
Genomic context (GRCh38, chr11:72,434,418, plus strand): 5'-AGTAGTCACATTCCGGCCGGAAGCACCTCCATGGCCCCGGAGCGTTGGGGACCTGAGCAG[C>G]CGGAGGAGTAGCCGTGGCGCCAGTGCTTTTCTCCTCAACACCAGGGACCCCAGCATCTTG-3'
Protein context (NP_001245321.1, residues 9-29): RKALAPRLLL[Arg19=]LLRSPTLRGH